The following is an entry in ClinVar:

ClinVar aggregate classification (germline): Uncertain significance. Review status: criteria provided, multiple submitters, no conflicts (2 of 4 stars). 2 submissions from 2 submitters: Uncertain significance (2). Last evaluated 2025-08-31.

Conditions:
Inborn genetic diseases. Identifiers: MedGen C0950123, MeSH D030342.
DOCK2 deficiency. Also called: Immunodeficiency 40. Identifiers: Orphanet 447737, MedGen C4225328, MONDO:0014637, OMIM 616433.

Allele frequency attached by ClinVar (database versions not stated): TOPMed below 0.00001; gnomAD 0.00001; gnomAD exomes 0.00005; ExAC 0.00010.
gnomAD v4.1: 68 of 1,613,998 alleles (0.0042%); highest among the groups gnomAD compares: South Asian, 0.071%; 1 homozygote.

Submissions (2):

Ambry Genetics
Classification: Uncertain significance for Inborn genetic diseases. Last evaluated: 2025-08-31. Review status: criteria provided, single submitter. Criteria: Ambry Variant Classification Scheme 2023. Collection method: clinical testing. Allele origin: germline.

Labcorp Genetics (formerly Invitae), Labcorp
Classification: Uncertain significance for DOCK2 deficiency. Last evaluated: 2022-07-23. Review status: criteria provided, single submitter. Criteria: Invitae Variant Classification Sherloc (09022015). Collection method: clinical testing. Allele origin: germline.
Comment: This sequence change replaces isoleucine, which is neutral and non-polar, with valine, which is neutral and non-polar, at codon 152 of the DOCK2 protein (p.Ile152Val). This variant is present in population databases (rs761361714, gnomAD 0.07%). This variant has not been reported in the literature in individuals affected with DOCK2-related conditions. Algorithms developed to predict the effect of missense changes on protein structure and function (SIFT, PolyPhen-2, Align-GVGD) all suggest that this variant is likely to be tolerated. In summary, the available evidence is currently insufficient to determine the role of this variant in disease. Therefore, it has been classified as a Variant of Uncertain Significance.

NM_004946.3(DOCK2):c.454A>G (p.Ile152Val)

Gene: DOCK2 (dedicator of cytokinesis 2; plus strand). Cytogenetic location: 5q35.1.
Variant type: single nucleotide variant.
Coding change: c.454A>G on transcript NM_004946.3 (MANE Select); coding-DNA position 454, A replaced by G.
Protein change: p.Ile152Val; replaces isoleucine 152 with valine.
Molecular consequence: missense variant. On other transcripts: non-coding transcript variant (1).
Genome position (GRCh38, 1-based): chr5:169,674,429, A>G. VCF-style: chr5-169674429-A-G. GRCh37 (hg19) VCF-style: chr5-169101433-A-G.
Other names: c.454A>G (NM_004946.2); short protein forms I152V.
Identifiers: ClinVar variation 2420389 (VCV002420389.6), dbSNP rs761361714, ClinGen allele CA3553165.